The following is an entry in ClinVar:

NM_182914.3(SYNE2):c.13466A>G (p.Asn4489Ser)

Gene: SYNE2 (spectrin repeat containing nuclear envelope protein 2; plus strand). Cytogenetic location: 14q23.2.
Variant type: single nucleotide variant.
Coding change: c.13466A>G on transcript NM_182914.3 (MANE Select); coding-DNA position 13466, A replaced by G.
Protein change: p.Asn4489Ser; replaces asparagine 4489 with serine.
Molecular consequence: missense variant.
Genome position (GRCh38, 1-based): chr14:64,125,122, A>G. VCF-style: chr14-64125122-A-G. GRCh37 (hg19) VCF-style: chr14-64591840-A-G.
Other names: c.13466A>G, p.Asn4489Ser (NM_015180.6); short protein forms N4489S.
Identifiers: ClinVar variation 470929 (VCV000470929.9), dbSNP rs747349342, ClinGen allele CA7222461.

ClinVar aggregate classification (germline): Uncertain significance. Review status: criteria provided, multiple submitters, no conflicts (2 of 4 stars). 3 submissions from 3 submitters: Uncertain significance (3). Last evaluated 2025-05-14.

Conditions:
Emery-Dreifuss muscular dystrophy 5, autosomal dominant (EDMD5). Also called: EMERY-DREIFUSS MUSCULAR DYSTROPHY 5. Identifiers: Orphanet 261, MedGen C2751805, MONDO:0013072, OMIM 612999.

Allele frequency attached by ClinVar (database versions not stated): gnomAD exomes below 0.00001 and 0.00001; ExAC 0.00001; gnomAD 0.00001; TOPMed 0.00003.
gnomAD v4.1: 5 of 1,614,052 alleles (0.00031%); highest among the groups gnomAD compares: African/African-American, 0.0013%; no homozygotes.

Submissions (3):

Ambry Genetics
Classification: Uncertain significance. Last evaluated: 2025-05-14. Review status: criteria provided, single submitter. Criteria: Ambry Variant Classification Scheme 2023. Collection method: clinical testing. Allele origin: germline.

Labcorp Genetics (formerly Invitae), Labcorp
Classification: Uncertain significance for Emery-Dreifuss muscular dystrophy 5, autosomal dominant. Last evaluated: 2024-08-14. Review status: criteria provided, single submitter. Criteria: Invitae Variant Classification Sherloc (09022015). Collection method: clinical testing. Allele origin: germline.
Comment: This sequence change replaces asparagine, which is neutral and polar, with serine, which is neutral and polar, at codon 4489 of the SYNE2 protein (p.Asn4489Ser). This variant is present in population databases (rs747349342, gnomAD 0.0009%). This variant has not been reported in the literature in individuals affected with SYNE2-related conditions. ClinVar contains an entry for this variant (Variation ID: 470929). An algorithm developed to predict the effect of missense changes on protein structure and function outputs the following: PolyPhen-2: "Benign". The serine amino acid residue is found in multiple mammalian species, which suggests that this missense change does not adversely affect protein function. In summary, the available evidence is currently insufficient to determine the role of this variant in disease. Therefore, it has been classified as a Variant of Uncertain Significance.

Women's Health and Genetics/Laboratory Corporation of America, LabCorp
Classification: Uncertain significance. Last evaluated: 2024-04-04. Review status: criteria provided, single submitter. Criteria: LabCorp Variant Classification Summary - May 2015. Collection method: clinical testing. Allele origin: germline.
Comment: Variant summary: SYNE2 c.13466A>G (p.Asn4489Ser) results in a conservative amino acid change in the encoded protein sequence. Four of five in-silico tools predict a benign effect of the variant on protein function. The variant allele was found at a frequency of 4e-06 in 251380 control chromosomes. The available data on variant occurrences in the general population are insufficient to allow any conclusion about variant significance. To our knowledge, no occurrence of c.13466A>G in individuals affected with Emery-Dreifuss Muscular Dystrophy 5, Autosomal Dominant and no experimental evidence demonstrating its impact on protein function have been reported. ClinVar contains an entry for this variant (Variation ID: 470929). Based on the evidence outlined above, the variant was classified as uncertain significance.